The following is an entry in ClinVar:

NM_000207.3(INS):c.36G>A (p.Ala12=)

Genes: INS (insulin; minus strand), INS-IGF2 (INS-IGF2 readthrough; minus strand). Cytogenetic location: 11p15.5.
Variant type: single nucleotide variant.
Coding change: c.36G>A on transcript NM_000207.3 (MANE Select); coding-DNA position 36, G replaced by A.
Protein change: p.Ala12=; no amino-acid change (alanine 12 retained).
Molecular consequence: synonymous variant. On other transcripts: non-coding transcript variant (1).
Genome position (GRCh38, 1-based): chr11:2,160,936, C>T on the plus strand (G>A on the coding strand, the complement: INS is on the minus strand). VCF-style: chr11-2160936-C-T. GRCh37 (hg19) VCF-style: chr11-2182166-C-T.
Other names: c.36G>A, p.Ala12= (NM_001185097.2, NM_001185098.2, NM_001291897.2 and 1 more transcripts).
Identifiers: ClinVar variation 304057 (VCV000304057.20), dbSNP rs3842744, ClinGen allele CA5818202.
Genomic context (GRCh38, chr11:2,160,936, plus strand): 5'-GCCGCACAGGTGTTGGTTCACAAAGGCTGCGGCTGGGTCAGGTCCCCAGAGGGCCAGCAG[C>T]GCCAGCAGGGGCAGGAGGCGCATCCACAGGGCCATGGCAGAAGGACAGTGATCTGGGAGA-3'
Protein context (NP_000198.1, residues 2-22): ALWMRLLPLL[Ala12=]LLALWGPDPA

ClinVar aggregate classification (germline): Benign/Likely benign. Review status: criteria provided, multiple submitters, no conflicts (2 of 4 stars). 7 submissions from 7 submitters: Benign (5); Likely benign (1). 1 of the submissions does not count toward it. Last evaluated 2026-02-01.

Conditions:
Diabetes mellitus, permanent neonatal 4. Also called: INS-Related Permanent Neonatal Diabetes Mellitus. Identifiers: MedGen C5394307, MONDO:0030089, OMIM 618858.
Hyperproinsulinemia. Identifiers: MedGen C0342283, MONDO:0014535, OMIM 616214.
Type 1 diabetes mellitus 2. Identifiers: MedGen C1852092, MONDO:0007454, OMIM 125852.
Maturity-onset diabetes of the young type 10. Identifiers: Orphanet 552, MedGen C3150617, MONDO:0013240, OMIM 613370.
Neonatal insulin-dependent diabetes mellitus. Identifiers: MedGen C3278636, HP:0000857.

Allele frequency attached by ClinVar (database versions not stated): gnomAD exomes 0.00142 and 0.00392; ExAC 0.00473; gnomAD 0.01248 and 0.01335; TOPMed 0.01453; 1000 Genomes Project 0.01458; 1000 Genomes Project 30x 0.01515; ESP Exome Variant Server 0.01563.
gnomAD v4.1: 4,076 of 1,612,564 alleles (0.25%); highest among the groups gnomAD compares: African/African-American, 4.3%; 97 homozygotes.

Submissions (7):

Labcorp Genetics (formerly Invitae), Labcorp
Classification: Benign. Last evaluated: 2026-02-01. Review status: criteria provided, single submitter. Criteria: Invitae Variant Classification Sherloc (09022015). Collection method: clinical testing. Allele origin: germline.

ARUP Laboratories, Molecular Genetics and Genomics, ARUP Laboratories
Classification: Benign. Last evaluated: 2023-11-06. Review status: criteria provided, single submitter. Criteria: ARUP Molecular Germline Variant Investigation Process 2024. Collection method: clinical testing. Allele origin: germline.

Fulgent Genetics
Classification: Benign for Type 1 diabetes mellitus 2; Maturity-onset diabetes of the young type 10; Hyperproinsulinemia; Diabetes mellitus, permanent neonatal 4. Last evaluated: 2021-07-20. Review status: criteria provided, single submitter. Criteria: ACMG Guidelines, 2015. Collection method: clinical testing. Allele origin: unknown.

GeneDx
Classification: Benign. Last evaluated: 2020-01-29. Review status: criteria provided, single submitter. Criteria: GeneDx Variant Classification Process June 2021. Collection method: clinical testing. Allele origin: germline. Affected: yes.
Comment: This variant is associated with the following publications: (PMID: 27279137, 18162506)

Illumina Laboratory Services, Illumina
Classification: Benign for Maturity-onset diabetes of the young type 10. Last evaluated: 2018-01-13. Review status: criteria provided, single submitter. Criteria: ICSL Variant Classification Criteria 13 December 2019. Collection method: clinical testing. Allele origin: germline.
Comment: This variant was observed in the ICSL laboratory as part of a predisposition screen in an ostensibly healthy population. It had not been previously curated by ICSL or reported in the Human Gene Mutation Database (HGMD: prior to June 1st, 2018), and was therefore a candidate for classification through an automated scoring system. Utilizing variant allele frequency, disease prevalence and penetrance estimates, and inheritance mode, an automated score was calculated to assess if this variant is too frequent to cause the disease. Based on the score and internal cut-off values, a variant classified as benign is not then subjected to further curation. The score for this variant resulted in a classification of benign for this disease.

Breakthrough Genomics
Classification: Likely benign. Review status: criteria provided, single submitter. Criteria: ACMG Guidelines, 2015. Collection method: not provided. Allele origin: germline. Inheritance: Autosomal dominant inheritance. Affected: yes.

Clinical Genomics, Uppaluri K&H Personalized Medicine Clinic
Classification: Uncertain significance for Neonatal insulin-dependent diabetes mellitus. Review status: no assertion criteria provided. Collection method: research. Allele origin: somatic. Affected: yes. Not counted in ClinVar's aggregate classification.
Comment: Mutations in INS gene generally cause early onset diabetes mellitus which is insulin dependent. But , No strong association of rs3842744 was seen in Diabetes Mellitus.

Literature cited by the submitters: PubMed 18162506 (cited by Clinical Genomics, Uppaluri K&H Personalized Medicine Clinic).